The following is an entry in ClinVar:

NM_001429.4(EP300):c.6303_6323del (p.Met2106_Gly2112del)

Gene: EP300 (EP300 lysine acetyltransferase; plus strand). Cytogenetic location: 22q13.2.
Variant type: Deletion.
Coding change: c.6303_6323del on transcript NM_001429.4 (MANE Select); coding-DNA positions 6303 to 6323, 21 bases deleted (TGGGCAGCCTGGCATGCCCCA).
Protein change: p.Met2106_Gly2112del.
Molecular consequence: inframe deletion.
Genome position (GRCh38, 1-based): chr22:41,178,014-41,178,034, TGGGCAGCCTGGCATGCCCCA deleted. VCF-style (leftmost placement, unchanged base first): chr22-41178013-CTGGGCAGCCTGGCATGCCCCA-C. GRCh37 (hg19) VCF-style: chr22-41574017-CTGGGCAGCCTGGCATGCCCCA-C.
Other names: c.6225_6245del, p.Met2080_Gly2086del (NM_001362843.2); c.6303_6323del21 (NM_001429.3).
Identifiers: ClinVar variation 2725572 (VCV002725572.5), dbSNP rs754326379, ClinGen allele CA10253817.

ClinVar aggregate classification (germline): Conflicting classifications of pathogenicity. Review status: criteria provided, conflicting classifications (1 of 4 stars). 2 submissions from 2 submitters: Uncertain significance (1); Likely benign (1). Last evaluated 2026-09-24.

Conditions:
EP300-related disorder. Also called: EP300-related condition; EP300-related disorders.
Rubinstein-Taybi syndrome due to EP300 haploinsufficiency. Also called: EP300-Related Rubinstein-Taybi Syndrome; RUBINSTEIN-TAYBI SYNDROME 2. Identifiers: Orphanet 353284, Orphanet 783, MedGen C3150941, MONDO:0013364, OMIM 613684.

Allele frequency attached by ClinVar (database versions not stated): ExAC 0.00002; gnomAD 0.00002; gnomAD exomes 0.00002; TOPMed 0.00003.

Submissions (2):

PreventionGenetics, part of Exact Sciences
Classification: Likely benign for EP300-related condition. Last evaluated: 2026-09-24. Review status: criteria provided, single submitter. Criteria: ACMG Guidelines, 2015. Collection method: clinical testing. Allele origin: germline.
Comment: This variant is classified as likely benign based on ACMG/AMP sequence variant interpretation guidelines (Richards et al. 2015 PMID: 25741868, with internal and published modifications).

Labcorp Genetics (formerly Invitae), Labcorp
Classification: Uncertain significance for Rubinstein-Taybi syndrome due to EP300 haploinsufficiency. Last evaluated: 2024-02-28. Review status: criteria provided, single submitter. Criteria: Invitae Variant Classification Sherloc (09022015). Collection method: clinical testing. Allele origin: germline.
Comment: This variant, c.6303_6323del, results in the deletion of 7 amino acid(s) of the EP300 protein (p.Met2106_Gly2112del), but otherwise preserves the integrity of the reading frame. This variant is present in population databases (rs754326379, gnomAD 0.02%). This variant has not been reported in the literature in individuals affected with EP300-related conditions. Experimental studies and prediction algorithms are not available or were not evaluated, and the functional significance of this variant is currently unknown. In summary, the available evidence is currently insufficient to determine the role of this variant in disease. Therefore, it has been classified as a Variant of Uncertain Significance.